The following is an entry in ClinVar:

ClinVar aggregate classification (germline): Uncertain significance. Review status: criteria provided, multiple submitters, no conflicts (2 of 4 stars). 2 submissions from 2 submitters: Uncertain significance (2). Last evaluated 2024-06-03.

Conditions:
Inborn genetic diseases. Identifiers: MedGen C0950123, MeSH D030342.
Familial cold autoinflammatory syndrome 3 (FCAS3). Also called: FAMILIAL ATYPICAL COLD URTICARIA; ANTIBODY DEFICIENCY AND IMMUNE DYSREGULATION, PLCG2-ASSOCIATED. Identifiers: Orphanet 300359, MedGen C3280914, MONDO:0013766, OMIM 614468.

Allele frequency attached by ClinVar (database versions not stated): gnomAD exomes below 0.00001; TOPMed 0.00001; gnomAD 0.00003; 1000 Genomes Project 30x 0.00016; 1000 Genomes Project 0.00020.
gnomAD v4.1: 5 of 1,601,340 alleles (0.00031%); highest among the groups gnomAD compares: Admixed American, 0.005%; no homozygotes.

Submissions (2):

Ambry Genetics
Classification: Uncertain significance for Inborn genetic diseases. Last evaluated: 2024-06-03. Review status: criteria provided, single submitter. Criteria: Ambry Variant Classification Scheme 2023. Collection method: clinical testing. Allele origin: germline.

Labcorp Genetics (formerly Invitae), Labcorp
Classification: Uncertain significance for Familial cold autoinflammatory syndrome 3. Last evaluated: 2024-04-17. Review status: criteria provided, single submitter. Criteria: Invitae Variant Classification Sherloc (09022015). Collection method: clinical testing. Allele origin: germline.
Comment: This sequence change replaces methionine, which is neutral and non-polar, with threonine, which is neutral and polar, at codon 769 of the PLCG2 protein (p.Met769Thr). This variant is present in population databases (rs541206472, gnomAD 0.01%). This variant has not been reported in the literature in individuals affected with PLCG2-related conditions. ClinVar contains an entry for this variant (Variation ID: 1938291). Algorithms developed to predict the effect of missense changes on protein structure and function output the following: SIFT: "Not Available"; PolyPhen-2: "Benign"; Align-GVGD: "Not Available". The threonine amino acid residue is found in multiple mammalian species, which suggests that this missense change does not adversely affect protein function. In summary, the available evidence is currently insufficient to determine the role of this variant in disease. Therefore, it has been classified as a Variant of Uncertain Significance.

NM_002661.5(PLCG2):c.2306T>C (p.Met769Thr)

Gene: PLCG2 (phospholipase C gamma 2; plus strand). Cytogenetic location: 16q23.3.
Variant type: single nucleotide variant.
Coding change: c.2306T>C on transcript NM_002661.5 (MANE Select); coding-DNA position 2306, T replaced by C.
Protein change: p.Met769Thr; replaces methionine 769 with threonine.
Molecular consequence: missense variant.
Genome position (GRCh38, 1-based): chr16:81,921,268, T>C. VCF-style: chr16-81921268-T-C. GRCh37 (hg19) VCF-style: chr16-81954873-T-C.
Other names: short protein forms M769T.
Identifiers: ClinVar variation 1938291 (VCV001938291.6), dbSNP rs541206472, ClinGen allele CA285169185.
Genomic context (GRCh38, chr16:81,921,268, plus strand): 5'-TAAACTCCCTCTACGACGTCAGCAGAATGTATGTGGATCCCAGTGAAATCAATCCGTCCA[T>C]GGTACGGTGCCGAACCTCCAATTCACATGATTTTGGAGTCACGAGGCTGATGTGGATTCC-3'
Protein context (NP_002652.2, residues 759-779): YVDPSEINPS[Met769Thr]PQRTVKALYD